The following is an entry in ClinVar:

NM_170784.3(MKKS):c.251A>C (p.His84Pro)

Gene: MKKS (MKKS centrosomal shuttling protein; minus strand). Cytogenetic location: 20p12.2.
Variant type: single nucleotide variant.
Coding change: c.251A>C on transcript NM_170784.3 (MANE Select); coding-DNA position 251, A replaced by C.
Protein change: p.His84Pro; replaces histidine 84 with proline.
Molecular consequence: missense variant.
Genome position (GRCh38, 1-based): chr20:10,413,264, T>G on the plus strand (A>C on the coding strand, the complement: MKKS is on the minus strand). VCF-style: chr20-10413264-T-G. GRCh37 (hg19) VCF-style: chr20-10393912-T-G.
Other names: c.251A>C, p.His84Pro (NM_018848.3); short protein forms H84P.
Identifiers: ClinVar variation 1520884 (VCV001520884.8), dbSNP rs2064908864, ClinGen allele CA408233517.

ClinVar aggregate classification (germline): Uncertain significance (1 of 4 stars; one submission).

Conditions:
McKusick-Kaufman syndrome (MKKS). Also called: HYDROMETROCOLPOS SYNDROME; HYDROMETROCOLPOS, POSTAXIAL POLYDACTYLY, AND CONGENITAL HEART MALFORMATION. Identifiers: Orphanet 2473, MedGen C0948368, MONDO:0009367, OMIM 236700.
Bardet-Biedl syndrome (BBS). Identifiers: Orphanet 110, MedGen C0752166, MONDO:0015229.

Submission:

Labcorp Genetics (formerly Invitae), Labcorp
Classification: Uncertain significance for McKusick-Kaufman syndrome; Bardet-Biedl syndrome. Last evaluated: 2021-04-06. Review status: criteria provided, single submitter. Criteria: Invitae Variant Classification Sherloc (09022015). Collection method: clinical testing. Allele origin: germline.
Comment: Algorithms developed to predict the effect of missense changes on protein structure and function (SIFT, PolyPhen-2, Align-GVGD) all suggest that this variant is likely to be disruptive, but these predictions have not been confirmed by published functional studies and their clinical significance is uncertain. This variant has not been reported in the literature in individuals with MKKS-related conditions. This variant is not present in population databases (ExAC no frequency). This sequence change replaces histidine with proline at codon 84 of the MKKS protein (p.His84Pro). The histidine residue is highly conserved and there is a moderate physicochemical difference between histidine and proline. In summary, the available evidence is currently insufficient to determine the role of this variant in disease. Therefore, it has been classified as a Variant of Uncertain Significance.